The following is an entry in ClinVar:

ClinVar aggregate classification (germline): Uncertain significance (1 of 4 stars; one submission).

Submission:

GeneDx
Classification: Uncertain significance. Last evaluated: 2024-04-30. Review status: criteria provided, single submitter. Criteria: GeneDx Variant Classification Process June 2021. Collection method: clinical testing. Allele origin: germline. Affected: yes.
Comment: In silico analysis indicates that this missense variant does not alter protein structure/function; Has not been previously published as pathogenic or benign to our knowledge; Not observed at significant frequency in large population cohorts (gnomAD)

NM_000240.4(MAOA):c.572C>T (p.Ala191Val)

Gene: MAOA (monoamine oxidase A; plus strand). Cytogenetic location: Xp11.3.
Variant type: single nucleotide variant.
Coding change: c.572C>T on transcript NM_000240.4 (MANE Select); coding-DNA position 572, C replaced by T.
Protein change: p.Ala191Val; replaces alanine 191 with valine.
Molecular consequence: missense variant.
Genome position (GRCh38, 1-based): chrX:43,728,241, C>T. VCF-style: chrX-43728241-C-T. GRCh37 (hg19) VCF-style: chrX-43587488-C-T.
Other names: c.173C>T, p.Ala58Val (NM_001270458.2); short protein forms A191V, A58V.
Identifiers: ClinVar variation 3373359 (VCV003373359.1).